The following is an entry in ClinVar:

ClinVar aggregate classification (germline): Likely benign (1 of 4 stars; one submission).

gnomAD v4.1: 37 of 1,613,620 alleles (0.0023%); highest among the groups gnomAD compares: Non-Finnish European, 0.003%; no homozygotes.

Submission:

CeGaT Center for Human Genetics Tuebingen
Classification: Likely benign. Last evaluated: 2024-12-01. Review status: criteria provided, single submitter. Criteria: CeGaT Center For Human Genetics Tuebingen Variant Classification Criteria Version 2. Collection method: clinical testing. Allele origin: germline. Affected: yes. Observed: 1 variant allele.
Comment: GBF1: BP4

NM_001377137.1(GBF1):c.5296G>A (p.Ala1766Thr)

Gene: GBF1 (golgi brefeldin A resistant guanine nucleotide exchange factor 1; plus strand). Cytogenetic location: 10q24.32.
Variant type: single nucleotide variant.
Coding change: c.5296G>A on transcript NM_001377137.1 (MANE Select); coding-DNA position 5296, G replaced by A.
Protein change: p.Ala1766Thr; replaces alanine 1766 with threonine.
Molecular consequence: missense variant. On other transcripts: non-coding transcript variant (5), intron variant (1).
Genome position (GRCh38, 1-based): chr10:102,381,249, G>A. VCF-style: chr10-102381249-G-A. GRCh37 (hg19) VCF-style: chr10-104141006-G-A.
Other names: c.5284G>A, p.Ala1762Thr (NM_001199378.2, NM_001391923.1); c.5281G>A, p.Ala1761Thr (NM_001199379.2, NM_001391924.1); c.5245G>A, p.Ala1749Thr (NM_001377138.1); c.4999G>A, p.Ala1667Thr (NM_001377139.1, NM_001391930.1); c.4987G>A, p.Ala1663Thr (NM_001377140.1); c.5293G>A, p.Ala1765Thr (NM_001377141.1, NM_004193.3); c.5380G>A, p.Ala1794Thr (NM_001391922.1); c.5257G>A, p.Ala1753Thr (NM_001391925.1); and 7 more; short protein forms A1635T, A1663T, A1667T, A1682T, A1714T, A1749T, A1750T, A1753T.
Identifiers: ClinVar variation 3771352 (VCV003771352.13).